The following is an entry in ClinVar:

NM_032730.5(RTN4IP1):c.16A>T (p.Thr6Ser)

Gene: RTN4IP1 (reticulon 4 interacting protein 1; minus strand). Cytogenetic location: 6q21.
Variant type: single nucleotide variant.
Coding change: c.16A>T on transcript NM_032730.5 (MANE Select); coding-DNA position 16, A replaced by T.
Protein change: p.Thr6Ser; replaces threonine 6 with serine.
Molecular consequence: missense variant. On other transcripts: intron variant (1).
Genome position (GRCh38, 1-based): chr6:106,629,006, T>A on the plus strand (A>T on the coding strand, the complement: RTN4IP1 is on the minus strand). VCF-style: chr6-106629006-T-A. GRCh37 (hg19) VCF-style: chr6-107076881-T-A.
Other names: c.-27+1321A>T (NM_001318746.1); short protein forms T6S.
Identifiers: ClinVar variation 851014 (VCV000851014.7), dbSNP rs371469772, ClinGen allele CA3944609.
Genomic context (GRCh38, chr6:106,629,006, plus strand): 5'-GGACAACTTTGCTTCTCCAGAAGCAAACCGCAGTGCATGCATTTCTTCTAAGTACACAAG[T>A]CTTCAGAAATTCCATTGTAAACACTGGTTGAACTGCGTGCTCAAATTCAAATACACTTGG-3'
Protein context (NP_116119.2, residues 1-16): MEFLK[Thr6Ser]CVLRRNACTA

ClinVar aggregate classification (germline): Uncertain significance (1 of 4 stars; one submission).

Allele frequency attached by ClinVar (database versions not stated): gnomAD exomes below 0.00001 and 0.00006; ExAC 0.00001; gnomAD 0.00002; TOPMed 0.00002; ESP Exome Variant Server 0.00008.
gnomAD v4.1: 89 of 1,610,536 alleles (0.0055%); highest among the groups gnomAD compares: Non-Finnish European, 0.0075%; no homozygotes.

Submission:

Labcorp Genetics (formerly Invitae), Labcorp
Classification: Uncertain significance. Last evaluated: 2022-10-13. Review status: criteria provided, single submitter. Criteria: Invitae Variant Classification Sherloc (09022015). Collection method: clinical testing. Allele origin: germline.
Comment: This sequence change replaces threonine, which is neutral and polar, with serine, which is neutral and polar, at codon 6 of the RTN4IP1 protein (p.Thr6Ser). This variant is present in population databases (rs371469772, gnomAD 0.002%). This variant has not been reported in the literature in individuals affected with RTN4IP1-related conditions. ClinVar contains an entry for this variant (Variation ID: 851014). Algorithms developed to predict the effect of missense changes on protein structure and function output the following: SIFT: "Tolerated"; PolyPhen-2: "Benign"; Align-GVGD: "Class C0". The serine amino acid residue is found in multiple mammalian species, which suggests that this missense change does not adversely affect protein function. In summary, the available evidence is currently insufficient to determine the role of this variant in disease. Therefore, it has been classified as a Variant of Uncertain Significance.